The following is an entry in ClinVar:

ClinVar aggregate classification (germline): Uncertain significance (1 of 4 stars; one submission).

Submission:

GeneDx
Classification: Uncertain significance. Last evaluated: 2025-03-11. Review status: criteria provided, single submitter. Criteria: GeneDx Variant Classification Process June 2021. Collection method: clinical testing. Allele origin: germline. Affected: yes.
Comment: Not observed at significant frequency in large population cohorts (gnomAD); In silico analysis supports that this missense variant has a deleterious effect on protein structure/function; Has not been previously published as pathogenic or benign to our knowledge

NM_022893.4(BCL11A):c.2330A>G (p.Tyr777Cys)

Gene: BCL11A (BCL11 transcription factor A; minus strand). Cytogenetic location: 2p16.1.
Variant type: single nucleotide variant.
Coding change: c.2330A>G on transcript NM_022893.4 (MANE Select); coding-DNA position 2330, A replaced by G.
Protein change: p.Tyr777Cys; replaces tyrosine 777 with cysteine.
Molecular consequence: missense variant. On other transcripts: intron variant (13).
Genome position (GRCh38, 1-based): chr2:60,460,582, T>C on the plus strand (A>G on the coding strand, the complement: BCL11A is on the minus strand). VCF-style: chr2-60460582-T-C. GRCh37 (hg19) VCF-style: chr2-60687717-T-C.
Other names: c.2228A>G, p.Tyr743Cys (NM_001363864.1, NM_001365609.1, NM_001405711.1 and 1 more transcripts); c.2330A>G, p.Tyr777Cys (NM_001405708.1, NM_001405709.1, NM_001405710.1); c.2174A>G, p.Tyr725Cys (NM_001405713.1, NM_001405714.1, NM_001405715.1 and 1 more transcripts); c.2072A>G, p.Tyr691Cys (NM_001405717.1, NM_001405718.1); c.1997A>G, p.Tyr666Cys (NM_001405720.1, NM_001405721.1); c.1874A>G, p.Tyr625Cys (NM_001405725.1, NM_001405726.1, NM_001405727.1 and 1 more transcripts); c.1637A>G, p.Tyr546Cys (NM_001405729.1); c.630+1700A>G (NM_138559.2, NM_001405732.1); and 9 more; short protein forms Y546C, Y625C, Y666C, Y691C, Y725C, Y743C, Y777C.
Identifiers: ClinVar variation 4082748 (VCV004082748.1).
Genomic context (GRCh38, chr2:60,460,582, plus strand): 5'-TTCCCCACCTGGCCATGCGTTTTCATGTGCCTGGTGAGCTTGCTACTCTGGGCACAGGCA[T>C]AGTTGCACAGCTCGCATTTATAAGGCCTTTCGCCCGTGTGGCTTCTCCTGTGGACAGTGA-3'
Protein context (NP_075044.2, residues 767-787): ERPYKCELCN[Tyr777Cys]ACAQSSKLTR